The following is an entry in ClinVar:

ClinVar aggregate classification (germline): Uncertain significance (1 of 4 stars; one submission).

gnomAD v4.1: 1 of 1,613,872 alleles (0.000062%); highest among the groups gnomAD compares: African/African-American, 0.0013%; no homozygotes.

Submission:

Women's Health and Genetics/Laboratory Corporation of America, LabCorp
Classification: Uncertain significance. Last evaluated: 2024-09-12. Review status: criteria provided, single submitter. Criteria: LabCorp Variant Classification Summary - May 2015. Collection method: clinical testing. Allele origin: germline.
Comment: Variant summary: TCF12 c.1163G>T (p.Ser388Ile) results in a non-conservative amino acid change in the encoded protein sequence. Three of five in-silico tools predict a benign effect of the variant on protein function. The variant was absent in 251212 control chromosomes (gnomAD). The available data on variant occurrences in the general population are insufficient to allow any conclusion about variant significance. To our knowledge, no occurrence of c.1163G>T in individuals affected with TCF12-Related Craniosynostosis and no experimental evidence demonstrating its impact on protein function have been reported. No submitters have cited clinical-significance assessments for this variant to ClinVar. Based on the evidence outlined above, the variant was classified as uncertain significance.

NM_207037.2(TCF12):c.1163G>T (p.Ser388Ile)

Gene: TCF12 (transcription factor 12; plus strand). Cytogenetic location: 15q21.3.
Variant type: single nucleotide variant.
Coding change: c.1163G>T on transcript NM_207037.2 (MANE Select); coding-DNA position 1163, G replaced by T.
Protein change: p.Ser388Ile; replaces serine 388 with isoleucine.
Molecular consequence: missense variant.
Genome position (GRCh38, 1-based): chr15:57,251,398, G>T. VCF-style: chr15-57251398-G-T. GRCh37 (hg19) VCF-style: chr15-57543596-G-T.
Other names: c.653G>T, p.Ser218Ile (NM_001306219.3, NM_207040.2); c.455G>T, p.Ser152Ile (NM_001306220.3); c.1163G>T, p.Ser388Ile (NM_001322151.2, NM_001322152.2, NM_001322157.3 and 7 more transcripts); c.506G>T, p.Ser169Ile (NM_001322154.2); c.989G>T, p.Ser330Ile (NM_001322156.2, NM_001322158.2); c.1199G>T, p.Ser400Ile (NM_001322164.2); short protein forms S152I, S169I, S218I, S330I, S388I, S400I.
Identifiers: ClinVar variation 3374854 (VCV003374854.1).